The following is an entry in ClinVar:

ClinVar aggregate classification (germline): Conflicting classifications of pathogenicity. Review status: criteria provided, conflicting classifications (1 of 4 stars). 5 submissions from 5 submitters: Pathogenic (1); Likely pathogenic (2); Uncertain significance (1). 1 of the submissions does not count toward it. Last evaluated 2025-11-17.

Conditions:
WFS1-related disorder. Identifiers: MedGen CN379391, MONDO:0700293.
Wolfram-like syndrome. Also called: HEARING LOSS, PROGRESSIVE, WITH OPTIC ATROPHY AND/OR IMPAIRED GLUCOSE REGULATION. Identifiers: Orphanet 411590, MedGen C3280358, MONDO:0013673, OMIM 614296.
Wolfram syndrome 1 (WFS1). Identifiers: Orphanet 3463, MedGen C4551693, MONDO:0009101, OMIM 222300.

Allele frequency attached by ClinVar (database versions not stated): TOPMed 0.00001.
gnomAD v4.1: 15 of 1,613,940 alleles (0.00093%); highest among the groups gnomAD compares: Non-Finnish European, 0.0013%; no homozygotes.

Submissions (5):

PreventionGenetics, part of Exact Sciences
Classification: Uncertain significance for WFS1-related condition. Last evaluated: 2025-11-17. Review status: criteria provided, single submitter. Criteria: ACMG Guidelines, 2015. Collection method: clinical testing. Allele origin: germline.
Comment: The WFS1 c.1922C>A variant is predicted to result in the amino acid substitution p.Thr641Lys. This variant has been reported in the compound heterozygous state in two siblings with early-onset Wolfram syndrome (Chaussenot et al. 2014. PubMed ID: 24890733). This variant is reported in 0.00088% of alleles in individuals of European (Non-Finnish) descent in gnomAD. At this time, the clinical significance of this variant is uncertain due to the absence of conclusive functional and genetic evidence.

Labcorp Genetics (formerly Invitae), Labcorp
Classification: Likely pathogenic. Last evaluated: 2025-02-27. Review status: criteria provided, single submitter. Criteria: Invitae Variant Classification Sherloc (09022015). Collection method: clinical testing. Allele origin: germline.
Comment: This sequence change replaces threonine, which is neutral and polar, with lysine, which is basic and polar, at codon 641 of the WFS1 protein (p.Thr641Lys). This variant is present in population databases (rs376626985, gnomAD 0.0009%). This missense change has been observed in individual(s) with autosomal recessive Wolfram syndrome and/or optic neuropathy (PMID: 24890733, 33841295). In at least one individual the data is consistent with being in trans (on the opposite chromosome) from a pathogenic variant. It has also been observed to segregate with disease in related individuals. ClinVar contains an entry for this variant (Variation ID: 166599). Invitae Evidence Modeling of protein sequence and biophysical properties (such as structural, functional, and spatial information, amino acid conservation, physicochemical variation, residue mobility, and thermodynamic stability) indicates that this missense variant is not expected to disrupt WFS1 protein function with a negative predictive value of 80%. In summary, the currently available evidence indicates that the variant is pathogenic, but additional data are needed to prove that conclusively. Therefore, this variant has been classified as Likely Pathogenic.

Department of Pathology and Laboratory Medicine, Sinai Health System
Classification: Likely pathogenic for Wolfram-like syndrome; Wolfram syndrome 1. Last evaluated: 2023-09-28. Review status: criteria provided, single submitter. Criteria: ACMG Guidelines, 2015. Collection method: research. Allele origin: germline.

Blueprint Genetics
Classification: Pathogenic for WFS1-related disorders. Last evaluated: 2023-09-20. Review status: criteria provided, single submitter. Criteria: ACMG Guidelines, 2015. Collection method: clinical testing. Allele origin: germline. Affected: yes. Observed: 3 variant alleles.

Laboratory for Molecular Medicine, Mass General Brigham Personalized Medicine
Classification: Uncertain significance. Last evaluated: 2015-01-06. Review status: flagged submission. Criteria: LMM Criteria. Collection method: clinical testing. Allele origin: germline. Observed: 3 variant alleles. Not counted in ClinVar's aggregate classification.
Comment: The p.Thr641Lys variant in WFS1 has not been previously reported in individuals with hearing loss or in large population studies. Computational prediction tool s and conservation analyses do not provide strong support for or against an impa ct to the protein. In summary, the clinical significance of the p.Thr641Lys vari ant is uncertain.
ClinVar note: Reason: Older claim that does not account for recent evidence

Literature cited by the submitters: PubMed 24890733 (cited by Labcorp Genetics (formerly Invitae), Labcorp); PubMed 33841295 (cited by Labcorp Genetics (formerly Invitae), Labcorp).

NM_006005.3(WFS1):c.1922C>A (p.Thr641Lys)

Gene: WFS1 (wolframin ER transmembrane glycoprotein; plus strand). Cytogenetic location: 4p16.1.
Variant type: single nucleotide variant.
Coding change: c.1922C>A on transcript NM_006005.3 (MANE Select); coding-DNA position 1922, C replaced by A.
Protein change: p.Thr641Lys; replaces threonine 641 with lysine.
Molecular consequence: missense variant.
Genome position (GRCh38, 1-based): chr4:6,301,717, C>A. VCF-style: chr4-6301717-C-A. GRCh37 (hg19) VCF-style: chr4-6303444-C-A.
Other names: c.1922C>A, p.Thr641Lys (NM_001145853.1); short protein forms T641K.
Identifiers: ClinVar variation 166599 (VCV000166599.13), dbSNP rs376626985, ClinGen allele CA179659.